The following is an entry in ClinVar:

NM_052859.4(RFT1):c.451_456dup (p.Leu151_Lys152dup)

Gene: RFT1 (RFT1 glycolipid translocator homolog; minus strand). Cytogenetic location: 3p21.1.
Variant type: Duplication.
Coding change: c.451_456dup on transcript NM_052859.4 (MANE Select); coding-DNA positions 451 to 456, 6 bases duplicated (CTCAAG; older notation c.451_456dupCTCAAG).
Protein change: p.Leu151_Lys152dup.
Molecular consequence: inframe insertion.
Genome position (GRCh38, 1-based): chr3:53,122,374-53,122,379, CTTGAG duplicated on the plus strand (CTCAAG on the coding strand, the reverse complement: RFT1 is on the minus strand); duplicating any 6 consecutive bases within chr3:53,122,374-53,122,382 gives the same sequence; the c. name uses the placement nearest the transcript's 3' end. VCF-style (leftmost placement, unchanged base first): chr3-53122373-C-CCTTGAG. GRCh37 (hg19) VCF-style: chr3-53156389-C-CCTTGAG.
Identifiers: ClinVar variation 1062935 (VCV001062935.4), dbSNP rs750344787, ClinGen allele CA2451454.

ClinVar aggregate classification (germline): Uncertain significance (1 of 4 stars; one submission).

Conditions:
RFT1-congenital disorder of glycosylation (CDG1N). Also called: Congenital disorder of glycosylation type In; RFT1-CDG; CDG In. Identifiers: Orphanet 244310, MedGen C2677590, MONDO:0012783, OMIM 612015.

Submission:

Labcorp Genetics (formerly Invitae), Labcorp
Classification: Uncertain significance for RFT1-congenital disorder of glycosylation. Last evaluated: 2024-09-03. Review status: criteria provided, single submitter. Criteria: Invitae Variant Classification Sherloc (09022015). Collection method: clinical testing. Allele origin: germline.
Comment: This variant, c.451_456dup, results in the insertion of 2 amino acid(s) of the RFT1 protein (Splice site), but otherwise preserves the integrity of the reading frame. This variant is present in population databases (rs750344787, gnomAD 0.03%). This variant has not been reported in the literature in individuals affected with RFT1-related conditions. ClinVar contains an entry for this variant (Variation ID: 1062935). Algorithms developed to predict the effect of sequence changes on RNA splicing suggest that this variant may disrupt the consensus splice site. In summary, the available evidence is currently insufficient to determine the role of this variant in disease. Therefore, it has been classified as a Variant of Uncertain Significance.